The following is an entry in ClinVar:

NM_013450.4(BAZ2B):c.4103C>G (p.Ala1368Gly)

Gene: BAZ2B (bromodomain adjacent to zinc finger domain 2B; minus strand). Cytogenetic location: 2q24.2.
Variant type: single nucleotide variant.
Coding change: c.4103C>G on transcript NM_013450.4 (MANE Select); coding-DNA position 4103, C replaced by G.
Protein change: p.Ala1368Gly; replaces alanine 1368 with glycine.
Molecular consequence: missense variant.
Genome position (GRCh38, 1-based): chr2:159,373,155, G>C on the plus strand (C>G on the coding strand, the complement: BAZ2B is on the minus strand). VCF-style: chr2-159373155-G-C. GRCh37 (hg19) VCF-style: chr2-160229666-G-C.
Other names: c.3995C>G, p.Ala1332Gly (NM_001289975.1); c.3941C>G, p.Ala1314Gly (NM_001329857.2); c.4028C>G, p.Ala1343Gly (NM_001329858.2); short protein forms A1332G, A1343G, A1314G, A1368G.
Identifiers: ClinVar variation 2235485 (VCV002235485.6), dbSNP rs764609647, ClinGen allele CA348932383.

ClinVar aggregate classification (germline): Conflicting classifications of pathogenicity. Review status: criteria provided, conflicting classifications (1 of 4 stars). 2 submissions from 2 submitters: Uncertain significance (1); Likely benign (1). Last evaluated 2026-02-01.

Conditions:
Inborn genetic diseases. Identifiers: MedGen C0950123, MeSH D030342.

gnomAD v4.1: 5 of 1,613,672 alleles (0.00031%); highest among the groups gnomAD compares: Admixed American, 0.0083%; no homozygotes.

Submissions (2):

CeGaT Center for Human Genetics Tuebingen
Classification: Likely benign. Last evaluated: 2026-02-01. Review status: criteria provided, single submitter. Criteria: CeGaT Center For Human Genetics Tuebingen Variant Classification Criteria Version 2. Collection method: clinical testing. Allele origin: germline. Affected: yes. Observed: 1 variant allele.
Comment: BAZ2B: BP4

Ambry Genetics
Classification: Uncertain significance for Inborn genetic diseases. Last evaluated: 2021-07-09. Review status: criteria provided, single submitter. Criteria: Ambry Variant Classification Scheme 2023. Collection method: clinical testing. Allele origin: germline.